The following is an entry in ClinVar:

NM_001177693.2(ARHGEF28):c.3566+1G>A

Gene: ARHGEF28 (Rho guanine nucleotide exchange factor 28; plus strand). Cytogenetic location: 5q13.2.
Variant type: single nucleotide variant.
Coding change: c.3566+1G>A on transcript NM_001177693.2 (MANE Select); the canonical splice donor site of the intron after coding-DNA position 3566, G replaced by A.
Molecular consequence: splice donor variant.
Genome position (GRCh38, 1-based): chr5:73,892,231, G>A. VCF-style: chr5-73892231-G-A. GRCh37 (hg19) VCF-style: chr5-73188056-G-A.
Other names: c.3566+1G>A (NM_001080479.3, NM_001388078.1); c.3272+1G>A (NM_001388076.1); c.2627+1G>A (NM_001244364.2).
Identifiers: ClinVar variation 2636976 (VCV002636976.1), dbSNP rs1237934490, ClinGen allele CA360061312.

ClinVar aggregate classification (germline): Uncertain significance (1 of 4 stars; one submission).

Conditions:
ARHGEF28-related disorder. Also called: ARHGEF28-related condition.

Allele frequency attached by ClinVar (database versions not stated): gnomAD exomes 0.00001; TOPMed 0.00001.

Submission:

PreventionGenetics, part of Exact Sciences
Classification: Uncertain significance for ARHGEF28-related condition. Last evaluated: 2023-05-04. Review status: criteria provided, single submitter. Criteria: ACMG Guidelines, 2015. Collection method: clinical testing. Allele origin: germline.
Comment: The ARHGEF28 c.3566+1G>A variant is predicted to disrupt the GT donor site and interfere with normal splicing. To our knowledge, this variant has not been reported in the literature. This variant is reported in 0.0040% of alleles in individuals of Latino descent in gnomAD. Only a few protein-truncating variants have been reported in this gene to date (Human Gene Mutation Database). Although we suspect that this variant may be pathogenic, at this time, the clinical significance of this variant is uncertain due to the absence of conclusive functional and genetic evidence.